The following is an entry in ClinVar:

NM_004715.5(CTDP1):c.2681G>A (p.Arg894His)

Gene: CTDP1 (CTD phosphatase subunit 1; plus strand). Cytogenetic location: 18q23.
Variant type: single nucleotide variant.
Coding change: c.2681G>A on transcript NM_004715.5 (MANE Select); coding-DNA position 2681, G replaced by A.
Protein change: p.Arg894His; replaces arginine 894 with histidine.
Molecular consequence: missense variant. On other transcripts: intron variant (1).
Genome position (GRCh38, 1-based): chr18:79,736,455, G>A. VCF-style: chr18-79736455-G-A. GRCh37 (hg19) VCF-style: chr18-77496455-G-A.
Other names: c.2324G>A, p.Arg775His (NM_001202504.1); c.2518G>A, p.Ala840Thr (NM_048368.4); c.2580+7386G>A (NM_001318511.2); short protein forms A840T, R775H, R894H.
Identifiers: ClinVar variation 2187225 (VCV002187225.4), dbSNP rs373540065, ClinGen allele CA9010675.
Genomic context (GRCh38, chr18:79,736,455, plus strand): 5'-GCGAGAAGAGGAGGCCTGAGGAGCAGGAGGAGGAGCCCCAGCCCCGGAAGCCAGGGACCC[G>A]CAGGGAGCGGACGCTCGGGGCACCTGCGTCCAGCGAGAGGAGCGCGGCAGGGGGCCGGGG-3'
Protein context (NP_004706.3, residues 884-904): EEPQPRKPGT[Arg894His]RERTLGAPAS

ClinVar aggregate classification (germline): Uncertain significance. Review status: criteria provided, multiple submitters, no conflicts (2 of 4 stars). 2 submissions from 2 submitters: Uncertain significance (2). Last evaluated 2025-05-14.

Allele frequency attached by ClinVar (database versions not stated): ESP Exome Variant Server 0.00009; ExAC 0.00005.
gnomAD v4.1: 81 of 1,549,012 alleles (0.0052%); highest among the groups gnomAD compares: African/African-American, 0.0069%; no homozygotes.

Submissions (2):

Ambry Genetics
Classification: Uncertain significance. Last evaluated: 2025-05-14. Review status: criteria provided, single submitter. Criteria: Ambry Variant Classification Scheme 2023. Collection method: clinical testing. Allele origin: germline.

Labcorp Genetics (formerly Invitae), Labcorp
Classification: Uncertain significance. Last evaluated: 2022-06-22. Review status: criteria provided, single submitter. Criteria: Invitae Variant Classification Sherloc (09022015). Collection method: clinical testing. Allele origin: germline.
Comment: This sequence change replaces arginine, which is basic and polar, with histidine, which is basic and polar, at codon 894 of the CTDP1 protein (p.Arg894His). This variant is present in population databases (rs373540065, gnomAD 0.01%). This variant has not been reported in the literature in individuals affected with CTDP1-related conditions. Algorithms developed to predict the effect of missense changes on protein structure and function output the following: SIFT: "Tolerated"; PolyPhen-2: "Benign"; Align-GVGD: "Class C0". The histidine amino acid residue is found in multiple mammalian species, which suggests that this missense change does not adversely affect protein function. In summary, the available evidence is currently insufficient to determine the role of this variant in disease. Therefore, it has been classified as a Variant of Uncertain Significance.